The following is an entry in ClinVar:

NM_007294.4(BRCA1):c.5410G>A (p.Val1804Ile)

Gene: BRCA1 (BRCA1 DNA repair associated; minus strand). Cytogenetic location: 17q21.31.
Variant type: single nucleotide variant.
Coding change: c.5410G>A on transcript NM_007294.4 (MANE Select); coding-DNA position 5410, G replaced by A.
Protein change: p.Val1804Ile; replaces valine 1804 with isoleucine.
Molecular consequence: missense variant. On other transcripts: non-coding transcript variant (1).
Genome position (GRCh38, 1-based): chr17:43,047,700, C>T on the plus strand (G>A on the coding strand, the complement: BRCA1 is on the minus strand). VCF-style: chr17-43047700-C-T. GRCh37 (hg19) VCF-style: chr17-41199717-C-T.
Other names: c.5269G>A, p.Val1757Ile (NM_001407696.1, NM_001407697.1, NM_001407698.1 and 12 more transcripts); c.5266G>A, p.Val1756Ile (NM_001407738.1, NM_001407739.1, NM_001407740.1 and 18 more transcripts); c.5263G>A, p.Val1755Ile (NM_001407843.1, NM_001407844.1, NM_001407845.1 and 12 more transcripts); c.5203G>A, p.Val1735Ile (NM_001407875.1, NM_001407874.1); c.5200G>A, p.Val1734Ile (NM_001407879.1, NM_001407881.1, NM_001407882.1 and 5 more transcripts); c.5197G>A, p.Val1733Ile (NM_001407907.1, NM_001407908.1, NM_001407909.1 and 12 more transcripts); c.5194G>A, p.Val1732Ile (NM_001407915.1, NM_001407916.1, NM_001407917.1 and 1 more transcripts); c.5158G>A, p.Val1720Ile (NM_001407919.1); and 83 more; short protein forms C675Y, V1757I, V1804I, V1825I, V700I, C1737Y, C1738Y, C1777Y.
Identifiers: ClinVar variation 868465 (VCV000868465.16), dbSNP rs2050994882, ClinGen allele CA10590648.

ClinVar aggregate classification (germline): Conflicting classifications of pathogenicity. Review status: criteria provided, conflicting classifications (1 of 4 stars). 2 submissions from 2 submitters: Uncertain significance (1); Benign (1). Last evaluated 2025-11-05.

Conditions:
Hereditary breast ovarian cancer syndrome. Also called: Hereditary breast and ovarian cancer; Hereditary breast and ovarian cancer syndrome (HBOC); Breast and ovarian cancer; Hereditary breast and/or ovarian cancer syndrome; BRCA1- and BRCA2-Associated Hereditary Breast and Ovarian Cancer; Hereditary breast and ovarian cancer syndrome. Identifiers: Orphanet 145, MedGen C0677776, MeSH D061325, MONDO:0003582. Disease mechanism: loss of function.
Hereditary cancer-predisposing syndrome. Also called: Neoplastic Syndromes, Hereditary; Tumor predisposition; Hereditary Cancer Syndrome; Hereditary neoplastic syndrome. Identifiers: Orphanet 140162, MedGen C0027672, MeSH D009386, MONDO:0015356.

Submissions (3):

Ambry Genetics
Classification: Benign for Hereditary cancer-predisposing syndrome. Last evaluated: 2025-11-05. Review status: criteria provided, single submitter. Criteria: Ambry Variant Classification Scheme 2023. Collection method: clinical testing. Allele origin: germline.

Labcorp Genetics (formerly Invitae), Labcorp
Classification: Uncertain significance for Hereditary breast ovarian cancer syndrome. Last evaluated: 2020-04-06. Review status: criteria provided, single submitter. Criteria: Invitae Variant Classification Sherloc (09022015). Collection method: clinical testing. Allele origin: germline.
Comment: This sequence change replaces valine with isoleucine at codon 1804 of the BRCA1 protein (p.Val1804Ile). The valine residue is weakly conserved and there is a small physicochemical difference between valine and isoleucine. This variant is not present in population databases (ExAC no frequency). This variant has not been reported in the literature in individuals with BRCA1-related conditions. ClinVar has an entry for this variant (Variation ID: 868465). This variant has been reported not to substantially affect BRCA1 protein function (PMID: 30209399). In summary, the available evidence is currently insufficient to determine the role of this variant in disease. Therefore, it has been classified as a Variant of Uncertain Significance.

Brotman Baty Institute, University of Washington
No classification provided (evidence only). Condition: Breast-ovarian cancer, familial 1. Review status: no classification provided. Collection method: in vitro. Allele origin: not applicable. Functional consequence: functionally_normal. Not counted in ClinVar's aggregate classification.
ClinVar note: "not provided" was previously submitted as the classification for the variant. However, the classification appeared to be based only on an observation of functional data so it was converted to no classification on 2025-07-30.

Literature cited by the submitters: PubMed 30209399 (cited by Labcorp Genetics (formerly Invitae), Labcorp).